The following is an entry in ClinVar:

NM_020923.3(ZDBF2):c.2344_2345del (p.Ser782fs)

Gene: ZDBF2 (zinc finger DBF-type containing 2; plus strand). Cytogenetic location: 2q33.3.
Variant type: Microsatellite.
Coding change: c.2344_2345del on transcript NM_020923.3 (MANE Select); coding-DNA positions 2344 to 2345, 2 bases deleted (AG; older notation c.2344_2345delAG).
Protein change: p.Ser782fs; shifts the reading frame from serine 782.
Molecular consequence: frameshift variant.
Genome position (GRCh38, 1-based): chr2:206,306,872-206,306,873, AG deleted; deleting any 2 consecutive bases within chr2:206,306,869-206,306,873 gives the same sequence; the c. name uses the placement nearest the transcript's 3' end. VCF-style (leftmost placement, unchanged base first): chr2-206306868-TGA-T. GRCh37 (hg19) VCF-style: chr2-207171592-TGA-T.
Other names: c.2338_2339del, p.Ser780fs (NM_001285549.2); c.2344_2345del, p.Ser782fs (NM_001369654.1); short protein forms S780fs, S782fs.
Identifiers: ClinVar variation 3390278 (VCV003390278.14).
Genomic context (GRCh38, chr2:206,306,868, plus strand): 5'-AGTTACTGAGCAGTCTCATCTGGATGCTGAAGGAAAAGAACGGCACATTGACCTGGAAGA[TGA>T]GAGCTGTGAGTCAGATAGTTCTGAAATAACTTTTGATTCTGATATTCCTCTTTATTCAGT-3'

ClinVar aggregate classification (germline): Uncertain significance (1 of 4 stars; one submission).

Submission:

CeGaT Center for Human Genetics Tuebingen
Classification: Uncertain significance. Last evaluated: 2024-11-01. Review status: criteria provided, single submitter. Criteria: CeGaT Center For Human Genetics Tuebingen Variant Classification Criteria Version 2. Collection method: clinical testing. Allele origin: germline. Affected: yes. Observed: 1 variant allele.
Comment: ZDBF2: PM2, PS2:Supporting